The following is an entry in ClinVar:

NM_001330260.2(SCN8A):c.4413G>T (p.Lys1471Asn)

Gene: SCN8A (sodium voltage-gated channel alpha subunit 8; plus strand). Cytogenetic location: 12q13.13.
Variant type: single nucleotide variant.
Coding change: c.4413G>T on transcript NM_001330260.2 (MANE Select); coding-DNA position 4413, G replaced by T.
Protein change: p.Lys1471Asn; replaces lysine 1471 with asparagine.
Molecular consequence: missense variant.
Genome position (GRCh38, 1-based): chr12:51,789,412, G>T. VCF-style: chr12-51789412-G-T. GRCh37 (hg19) VCF-style: chr12-52183196-G-T.
Other names: c.4290G>T, p.Lys1430Asn (NM_001177984.3, NM_001369788.1); c.4413G>T, p.Lys1471Asn (NM_014191.4); short protein forms K1430N, K1471N.
Identifiers: ClinVar variation 1491829 (VCV001491829.7), dbSNP rs776485215, ClinGen allele CA384908608.

ClinVar aggregate classification (germline): Uncertain significance (1 of 4 stars; one submission).

Conditions:
Early-infantile DEE. Also called: Early infantile epileptic encephalopathy; Early infantile epileptic encephalopathy with suppression bursts; Ohtahara syndrome. Identifiers: Orphanet 1934, MedGen C0393706, MONDO:0800491.

Submission:

Labcorp Genetics (formerly Invitae), Labcorp
Classification: Uncertain significance for Early-infantile DEE. Last evaluated: 2022-06-28. Review status: criteria provided, single submitter. Criteria: Invitae Variant Classification Sherloc (09022015). Collection method: clinical testing. Allele origin: germline.
Comment: In summary, the available evidence is currently insufficient to determine the role of this variant in disease. Therefore, it has been classified as a Variant of Uncertain Significance. Algorithms developed to predict the effect of missense changes on protein structure and function are either unavailable or do not agree on the potential impact of this missense change (SIFT: "Deleterious"; PolyPhen-2: "Benign"; Align-GVGD: "Class C0"). This variant has not been reported in the literature in individuals affected with SCN8A-related conditions. This variant is not present in population databases (gnomAD no frequency). This sequence change replaces lysine, which is basic and polar, with asparagine, which is neutral and polar, at codon 1471 of the SCN8A protein (p.Lys1471Asn).